The following is an entry in ClinVar:

ClinVar aggregate classification (germline): Uncertain significance (1 of 4 stars; one submission).

Conditions:
Walker-Warburg congenital muscular dystrophy. Also called: Muscular dystrophy-dystroglycanopathy, type A; Walker-Warburg syndrome. Identifiers: Orphanet 899, MedGen C0265221, MONDO:0000171.

Submission:

Labcorp Genetics (formerly Invitae), Labcorp
Classification: Uncertain significance for Walker-Warburg congenital muscular dystrophy. Last evaluated: 2019-03-08. Review status: criteria provided, single submitter. Criteria: Invitae Variant Classification Sherloc (09022015). Collection method: clinical testing. Allele origin: germline.
Comment: This variant results in a copy number gain of the genomic region encompassing the full coding sequence of the FKRP gene. The boundaries of this event are unknown as they extend beyond the assayed region for this gene and therefore may encompass additional genes. As the precise location of this event is unknown, it may be in tandem or it may be located elsewhere in the genome. This variant has not been reported in the literature in individuals with FKRP-related conditions. In summary, the available evidence is currently insufficient to determine the role of this variant in disease. Therefore, it has been classified as a Variant of Uncertain Significance.

NC_000019.10:g.(?_46755441)_(46756948_?)dup

Gene: FKRP (fukutin related protein; plus strand). Cytogenetic location: 19q13.32.
Variant type: Duplication.
Identifiers: ClinVar variation 832230 (VCV000832230.1).